The following is an entry in ClinVar:

ClinVar aggregate classification (germline): Uncertain significance. Review status: criteria provided, multiple submitters, no conflicts (2 of 4 stars). 2 submissions from 2 submitters: Uncertain significance (2). Last evaluated 2023-12-08.

Conditions:
Inborn genetic diseases. Identifiers: MedGen C0950123, MeSH D030342.

Allele frequency attached by ClinVar (database versions not stated): gnomAD exomes below 0.00001 and 0.00001; ExAC 0.00001; gnomAD 0.00002 and 0.00003; TOPMed 0.00004; ESP Exome Variant Server 0.00008.
gnomAD v4.1: 7 of 1,614,044 alleles (0.00043%); highest among the groups gnomAD compares: Admixed American, 0.0067%; no homozygotes.

Submissions (2):

Ambry Genetics
Classification: Uncertain significance for Inborn genetic diseases. Last evaluated: 2023-12-08. Review status: criteria provided, single submitter. Criteria: Ambry Variant Classification Scheme 2023. Collection method: clinical testing. Allele origin: germline.

Labcorp Genetics (formerly Invitae), Labcorp
Classification: Uncertain significance. Last evaluated: 2022-11-01. Review status: criteria provided, single submitter. Criteria: Invitae Variant Classification Sherloc (09022015). Collection method: clinical testing. Allele origin: germline.
Comment: In summary, the available evidence is currently insufficient to determine the role of this variant in disease. Therefore, it has been classified as a Variant of Uncertain Significance. Algorithms developed to predict the effect of missense changes on protein structure and function are either unavailable or do not agree on the potential impact of this missense change (SIFT: "Deleterious"; PolyPhen-2: "Probably Damaging"; Align-GVGD: "Class C0"). ClinVar contains an entry for this variant (Variation ID: 967262). This variant has not been reported in the literature in individuals affected with KCNV2-related conditions. This variant is present in population databases (rs140834504, gnomAD no frequency). This sequence change replaces tryptophan, which is neutral and slightly polar, with arginine, which is basic and polar, at codon 46 of the KCNV2 protein (p.Trp46Arg).

NM_133497.4(KCNV2):c.136T>C (p.Trp46Arg)

Gene: KCNV2 (potassium voltage-gated channel modifier subfamily V member 2; plus strand). Cytogenetic location: 9p24.2.
Variant type: single nucleotide variant.
Coding change: c.136T>C on transcript NM_133497.4 (MANE Select); coding-DNA position 136, T replaced by C.
Protein change: p.Trp46Arg; replaces tryptophan 46 with arginine.
Molecular consequence: missense variant.
Genome position (GRCh38, 1-based): chr9:2,717,875, T>C. VCF-style: chr9-2717875-T-C. GRCh37 (hg19) VCF-style: chr9-2717875-T-C.
Other names: short protein forms W46R.
Identifiers: ClinVar variation 967262 (VCV000967262.8), dbSNP rs140834504, ClinGen allele CA4965327.
Genomic context (GRCh38, chr9:2,717,875, plus strand): 5'-CACCGCAGGAGCATTTGCTCCCTGGGTGCCCGTTCCGGCTCCCAGGCCAGCATCCACGGC[T>C]GGACAGAGGGCAACTATAACTACTACATCGAGGAAGACGAAGACGGCGAGGAGGAGGACC-3'
Protein context (NP_598004.1, residues 36-56): RSGSQASIHG[Trp46Arg]TEGNYNYYIE